The following is an entry in ClinVar:

ClinVar aggregate classification (germline): Uncertain significance (1 of 4 stars; one submission).

Conditions:
Inborn genetic diseases. Identifiers: MedGen C0950123, MeSH D030342.

Allele frequency attached by ClinVar (database versions not stated): gnomAD exomes below 0.00001; gnomAD 0.00010.
gnomAD v4.1: 16 of 1,612,710 alleles (0.00099%); highest among the groups gnomAD compares: Non-Finnish European, 0.0014%; no homozygotes.

Submission:

Ambry Genetics
Classification: Uncertain significance for Inborn genetic diseases. Last evaluated: 2023-05-31. Review status: criteria provided, single submitter. Criteria: Ambry Variant Classification Scheme 2023. Collection method: clinical testing. Allele origin: germline.
Comment: The p.L196M variant (also known as c.586C>A), located in coding exon 6 of the LRRK2 gene, results from a C to A substitution at nucleotide position 586. The leucine at codon 196 is replaced by methionine, an amino acid with highly similar properties. This amino acid position is conserved. In addition, this alteration is predicted to be tolerated by in silico analysis. Since supporting evidence is limited at this time, the clinical significance of this alteration remains unclear.

NM_198578.4(LRRK2):c.586C>A (p.Leu196Met)

Gene: LRRK2 (leucine rich repeat kinase 2; plus strand). Cytogenetic location: 12q12.
Variant type: single nucleotide variant.
Coding change: c.586C>A on transcript NM_198578.4 (MANE Select); coding-DNA position 586, C replaced by A.
Protein change: p.Leu196Met; replaces leucine 196 with methionine.
Molecular consequence: missense variant.
Genome position (GRCh38, 1-based): chr12:40,240,497, C>A. VCF-style: chr12-40240497-C-A. GRCh37 (hg19) VCF-style: chr12-40634299-C-A.
Other names: short protein forms L196M.
Identifiers: ClinVar variation 2567432 (VCV002567432.2), dbSNP rs1356206610, ClinGen allele CA384404535.
Genomic context (GRCh38, chr12:40,240,497, plus strand): 5'-CATATCATCTTTAAGCTTATTCAGTATTTTGTCTTTCATTTTTAAGTCTCAGAGGAGCAA[C>A]TGACTGAATTTGTTGAGAACAAAGATTATATGATATTGTTAAGTGCGTTAACAAATTTTA-3'
Protein context (NP_940980.4, residues 186-206): VLFERVSEEQ[Leu196Met]TEFVENKDYM